The following is an entry in ClinVar:

NM_003672.4(CDC14A):c.1081G>A (p.Asp361Asn)

Gene: CDC14A (cell division cycle 14A; plus strand). Cytogenetic location: 1p21.2.
Variant type: single nucleotide variant.
Coding change: c.1081G>A on transcript NM_003672.4 (MANE Select); coding-DNA position 1081, G replaced by A.
Protein change: p.Asp361Asn; replaces aspartic acid 361 with asparagine.
Molecular consequence: missense variant.
Genome position (GRCh38, 1-based): chr1:100,484,395, G>A. VCF-style: chr1-100484395-G-A. GRCh37 (hg19) VCF-style: chr1-100949951-G-A.
Other names: c.1081G>A, p.Asp361Asn (NM_001319210.2, NM_033312.3, NM_033313.3); c.907G>A, p.Asp303Asn (NM_001319211.2); c.202G>A, p.Asp68Asn (NM_001319212.2); short protein forms D361N, D303N, D68N.
Identifiers: ClinVar variation 1495170 (VCV001495170.6), dbSNP rs761856090, ClinGen allele CA970776.

ClinVar aggregate classification (germline): Uncertain significance (1 of 4 stars; one submission).

Allele frequency attached by ClinVar (database versions not stated): ExAC 0.00002; gnomAD exomes 0.00002 and 0.00004; gnomAD 0.00008 and 0.00009; TOPMed 0.00008.
gnomAD v4.1: 23 of 1,609,248 alleles (0.0014%); highest among the groups gnomAD compares: Admixed American, 0.037%; no homozygotes.

Submission:

Labcorp Genetics (formerly Invitae), Labcorp
Classification: Uncertain significance. Last evaluated: 2021-08-26. Review status: criteria provided, single submitter. Criteria: Invitae Variant Classification Sherloc (09022015). Collection method: clinical testing. Allele origin: germline.
Comment: This variant is present in population databases (rs761856090, ExAC 0.02%). In summary, the available evidence is currently insufficient to determine the role of this variant in disease. Therefore, it has been classified as a Variant of Uncertain Significance. Algorithms developed to predict the effect of missense changes on protein structure and function are either unavailable or do not agree on the potential impact of this missense change (SIFT: "Deleterious"; PolyPhen-2: "Benign"; Align-GVGD: "Class C0"). This variant has not been reported in the literature in individuals affected with CDC14A-related conditions. This sequence change replaces aspartic acid with asparagine at codon 361 of the CDC14A protein (p.Asp361Asn). The aspartic acid residue is moderately conserved and there is a small physicochemical difference between aspartic acid and asparagine.